The following is an entry in ClinVar:

ClinVar aggregate classification (germline): Uncertain significance (1 of 4 stars; one submission).

Conditions:
Singleton-Merten syndrome 1 (SGMRT1). Also called: Widened medullary cavities of bone, aortic calcification, abnormal dentition, and muscular weakness; Syndrome of widened medullary cavities of the metacarpals and phalanges, aortic calcification and abnormal dentition. Identifiers: Orphanet 85191, MedGen C4225427, MONDO:0024535, OMIM 182250.
Aicardi-Goutieres syndrome 7 (AGS7). Identifiers: Orphanet 51, MedGen C3888244, MONDO:0014367, OMIM 615846.

Allele frequency attached by ClinVar (database versions not stated): gnomAD 0.00001; gnomAD exomes 0.00001 and 0.00002; ExAC 0.00005.
gnomAD v4.1: 12 of 1,612,148 alleles (0.00074%); highest among the groups gnomAD compares: South Asian, 0.013%; no homozygotes.

Submission:

Labcorp Genetics (formerly Invitae), Labcorp
Classification: Uncertain significance for Aicardi-Goutieres syndrome 7; Singleton-Merten syndrome 1. Last evaluated: 2024-04-29. Review status: criteria provided, single submitter. Criteria: Invitae Variant Classification Sherloc (09022015). Collection method: clinical testing. Allele origin: germline.
Comment: This sequence change replaces tyrosine, which is neutral and polar, with cysteine, which is neutral and slightly polar, at codon 461 of the IFIH1 protein (p.Tyr461Cys). This variant is present in population databases (rs746897113, gnomAD 0.02%). This variant has not been reported in the literature in individuals affected with IFIH1-related conditions. ClinVar contains an entry for this variant (Variation ID: 1520340). Advanced modeling of protein sequence and biophysical properties (such as structural, functional, and spatial information, amino acid conservation, physicochemical variation, residue mobility, and thermodynamic stability) has been performed at Invitae for this missense variant, however the output from this modeling did not meet the statistical confidence thresholds required to predict the impact of this variant on IFIH1 protein function. In summary, the available evidence is currently insufficient to determine the role of this variant in disease. Therefore, it has been classified as a Variant of Uncertain Significance.

NM_022168.4(IFIH1):c.1382A>G (p.Tyr461Cys)

Gene: IFIH1 (interferon induced with helicase C domain 1; minus strand). Cytogenetic location: 2q24.2.
Variant type: single nucleotide variant.
Coding change: c.1382A>G on transcript NM_022168.4 (MANE Select); coding-DNA position 1382, A replaced by G.
Protein change: p.Tyr461Cys; replaces tyrosine 461 with cysteine.
Molecular consequence: missense variant.
Genome position (GRCh38, 1-based): chr2:162,281,470, T>C on the plus strand (A>G on the coding strand, the complement: IFIH1 is on the minus strand). VCF-style: chr2-162281470-T-C. GRCh37 (hg19) VCF-style: chr2-163137980-T-C.
Other names: short protein forms Y461C.
Identifiers: ClinVar variation 1520340 (VCV001520340.8), dbSNP rs746897113, ClinGen allele CA1934536.